The following is an entry in ClinVar:

ClinVar aggregate classification (germline): Uncertain significance (1 of 4 stars; one submission).

Conditions:
Catecholaminergic polymorphic ventricular tachycardia 1. Also called: RYR2-Related Catecholaminergic Polymorphic Ventricular Tachycardia; VENTRICULAR TACHYCARDIA, CATECHOLAMINERGIC POLYMORPHIC, 1, WITH OR WITHOUT ATRIAL DYSFUNCTION AND/OR DILATED CARDIOMYOPATHY; VENTRICULAR TACHYCARDIA, STRESS-INDUCED POLYMORPHIC 1. Identifiers: Orphanet 3286, MedGen C1631597, MONDO:0011484, OMIM 604772.

Submission:

Labcorp Genetics (formerly Invitae), Labcorp
Classification: Uncertain significance for Catecholaminergic polymorphic ventricular tachycardia 1. Last evaluated: 2022-10-17. Review status: criteria provided, single submitter. Criteria: Invitae Variant Classification Sherloc (09022015). Collection method: clinical testing. Allele origin: germline.
Comment: This sequence change replaces proline, which is neutral and non-polar, with threonine, which is neutral and polar, at codon 2190 of the RYR2 protein (p.Pro2190Thr). This variant is not present in population databases (gnomAD no frequency). This variant has not been reported in the literature in individuals affected with RYR2-related conditions. ClinVar contains an entry for this variant (Variation ID: 567174). Advanced modeling of protein sequence and biophysical properties (such as structural, functional, and spatial information, amino acid conservation, physicochemical variation, residue mobility, and thermodynamic stability) performed at Invitae indicates that this missense variant is expected to disrupt RYR2 protein function. In summary, the available evidence is currently insufficient to determine the role of this variant in disease. Therefore, it has been classified as a Variant of Uncertain Significance.

NM_001035.3(RYR2):c.6568C>A (p.Pro2190Thr)

Gene: RYR2 (ryanodine receptor 2; plus strand). Cytogenetic location: 1q43.
Variant type: single nucleotide variant.
Coding change: c.6568C>A on transcript NM_001035.3 (MANE Select); coding-DNA position 6568, C replaced by A.
Protein change: p.Pro2190Thr; replaces proline 2190 with threonine.
Molecular consequence: missense variant.
Genome position (GRCh38, 1-based): chr1:237,633,590, C>A. VCF-style: chr1-237633590-C-A. GRCh37 (hg19) VCF-style: chr1-237796890-C-A.
Other names: c.6568C>A, p.Pro2190Thr (LRG_402t1); short protein forms P2190T.
Identifiers: ClinVar variation 567174 (VCV000567174.10), dbSNP rs1558103839, ClinGen allele CA345393928.